The following is an entry in ClinVar:

NM_015450.3(POT1):c.1251del (p.Leu418fs)

Gene: POT1 (protection of telomeres 1; minus strand). Cytogenetic location: 7q31.33.
Variant type: Deletion.
Coding change: c.1251del on transcript NM_015450.3 (MANE Select); coding-DNA position 1251, one base deleted (A; older notation c.1251delA).
Protein change: p.Leu418fs; shifts the reading frame from leucine 418.
Molecular consequence: frameshift variant. On other transcripts: non-coding transcript variant (3).
Genome position (GRCh38, 1-based): chr7:124,841,091, T deleted on the plus strand (A on the coding strand, the reverse complement: POT1 is on the minus strand). VCF-style (leftmost placement, unchanged base first): chr7-124841090-AT-A. GRCh37 (hg19) VCF-style: chr7-124481144-AT-A.
Other names: c.1251delA (NM_015450.3); c.858del, p.Leu287fs (NM_001042594.2); short protein forms L287fs, L418fs.
Identifiers: ClinVar variation 2459186 (VCV002459186.6), dbSNP rs2485394964, ClinGen allele CA2580076443.

ClinVar aggregate classification (germline): Pathogenic. Review status: criteria provided, multiple submitters, no conflicts (2 of 4 stars). 3 submissions from 3 submitters: Pathogenic (3). Last evaluated 2025-12-23.

Conditions:
Hereditary cancer-predisposing syndrome. Also called: Hereditary neoplastic syndrome; Hereditary Cancer Syndrome; Tumor predisposition; Neoplastic Syndromes, Hereditary. Identifiers: Orphanet 140162, MedGen C0027672, MeSH D009386, MONDO:0015356.
Tumor predisposition syndrome 3 (TPDS3). Also called: Glioma susceptibility 9; LONG TELOMERE SYNDROME, POT1-RELATED; POT1 Tumor Predisposition; Melanoma, cutaneous malignant, susceptibility to, 10. Identifiers: Orphanet 618, MedGen C4014476, MONDO:0014368, OMIM 615848.
Long telomere syndrome.

Allele frequency attached by ClinVar (database versions not stated): gnomAD exomes below 0.00001.

Submissions (3):

The Telomere Center at Johns Hopkins, Johns Hopkins University School of Medicine
Classification: Pathogenic for Long Telomere Syndrome. Last evaluated: 2025-12-23. Review status: criteria provided, single submitter. Criteria: Davidson-Swinton et al. (Blood. 2026). Collection method: clinical testing. Allele origin: germline. Affected: yes.

Labcorp Genetics (formerly Invitae), Labcorp
Classification: Pathogenic for Tumor predisposition syndrome 3. Last evaluated: 2023-01-25. Review status: criteria provided, single submitter. Criteria: Invitae Variant Classification Sherloc (09022015). Collection method: clinical testing. Allele origin: germline.
Comment: This variant is not present in population databases (gnomAD no frequency). For these reasons, this variant has been classified as Pathogenic. This variant has not been reported in the literature in individuals affected with POT1-related conditions. This sequence change creates a premature translational stop signal (p.Leu418Tyrfs*17) in the POT1 gene. It is expected to result in an absent or disrupted protein product. Loss-of-function variants in POT1 are known to be pathogenic (PMID: 32155570).

Ambry Genetics
Classification: Pathogenic for Hereditary cancer-predisposing syndrome. Last evaluated: 2022-12-20. Review status: criteria provided, single submitter. Criteria: Ambry Variant Classification Scheme 2023. Collection method: clinical testing. Allele origin: germline.
Comment: The c.1251delA pathogenic mutation, located in coding exon 10 of the POT1 gene, results from a deletion of one nucleotide at nucleotide position 1251, causing a translational frameshift with a predicted alternate stop codon (p.L418Yfs*17). This variant is considered to be rare based on population cohorts in the Genome Aggregation Database (gnomAD). This alteration is expected to result in loss of function by premature protein truncation or nonsense-mediated mRNA decay. As such, this alteration is interpreted as a disease-causing mutation.

Literature cited by the submitters: PubMed 32155570 (cited by Labcorp Genetics (formerly Invitae), Labcorp).